The following is an entry in ClinVar:

ClinVar aggregate classification (germline): Uncertain significance. Review status: criteria provided, multiple submitters, no conflicts (2 of 4 stars). 3 submissions from 3 submitters: Uncertain significance (2). 1 of the submissions does not count toward it. Last evaluated 2023-05-21.

Conditions:
Fanconi anemia complementation group C (FANCC). Also called: FANCONI PANCYTOPENIA, TYPE 3; FACC; Fanconi anemia, group C; FANCC-Related Fanconi Anemia. Identifiers: Orphanet 84, MedGen C3468041, MONDO:0009213, OMIM 227645.
Hereditary cancer-predisposing syndrome. Also called: Hereditary neoplastic syndrome; Tumor predisposition; Neoplastic Syndromes, Hereditary; Hereditary Cancer Syndrome. Identifiers: Orphanet 140162, MedGen C0027672, MeSH D009386, MONDO:0015356.

Submissions (3):

Ambry Genetics
Classification: Uncertain significance for Hereditary cancer-predisposing syndrome. Last evaluated: 2023-05-21. Review status: criteria provided, single submitter. Criteria: Ambry Variant Classification Scheme 2023. Collection method: clinical testing. Allele origin: germline.
Comment: The p.L453F variant (also known as c.1357C>T), located in coding exon 13 of the FANCC gene, results from a C to T substitution at nucleotide position 1357. The leucine at codon 453 is replaced by phenylalanine, an amino acid with highly similar properties. This amino acid position is conserved. In addition, this alteration is predicted to be tolerated by in silico analysis. Since supporting evidence is limited at this time, the clinical significance of this alteration remains unclear.

GeneDx
Classification: Uncertain significance. Last evaluated: 2015-07-21. Review status: criteria provided, single submitter. Criteria: GeneDx Variant Classification (06012015). Collection method: clinical testing. Allele origin: germline. Affected: yes.
Comment: This variant is denoted FANCC c.1357C>T at the cDNA level, p.Leu453Phe (L453F) at the protein level, and results in the change of a Leucine to a Phenylalanine (CTC>TTC). This variant has not, to our knowledge, been published in the literature as pathogenic or benign. FANCC Leu453Phe was not observed in approximately 6,500 individuals of European and African American ancestry in the NHLBI Exome Sequencing Project, indicating it is not a common benign variant in these populations. Since Leucine and Phenylalanine share similar properties, this is considered a conservative amino acid substitution. FANCC Leu453Phe occurs at a position where amino acids with properties similar to Leucine are tolerated across species and is not located in a known functional domain (Gordon 2000). In silico analyses are inconsistent regarding the effect this variant may have on protein structure and function. Based on currently available information, it is unclear whether FANCC Leu453Phe is pathogenic or benign. We consider it to be a variant of uncertain significance.

Natera, Inc.
Classification: Uncertain significance for Fanconi anemia, group C. Last evaluated: 2020-09-16. Review status: no assertion criteria provided. Collection method: clinical testing. Allele origin: germline. Not counted in ClinVar's aggregate classification.

NM_000136.3(FANCC):c.1357C>T (p.Leu453Phe)

Genes: AOPEP (aminopeptidase O (putative); plus strand), FANCC (FA complementation group C; minus strand). Cytogenetic location: 9q22.32.
Variant type: single nucleotide variant.
Coding change: c.1357C>T on transcript NM_000136.3 (MANE Select); coding-DNA position 1357, C replaced by T.
Protein change: p.Leu453Phe; replaces leucine 453 with phenylalanine.
Molecular consequence: missense variant.
Genome position (GRCh38, 1-based): chr9:95,107,242, G>A on the plus strand (C>T on the coding strand, the complement: FANCC is on the minus strand). VCF-style: chr9-95107242-G-A. GRCh37 (hg19) VCF-style: chr9-97869524-G-A.
Other names: c.1357C>T, p.Leu453Phe (NM_001243743.2); short protein forms L453F.
Identifiers: ClinVar variation 419480 (VCV000419480.5), dbSNP rs1064793901, ClinGen allele CA16618877.